The following is an entry in ClinVar:

ClinVar aggregate classification (germline): Uncertain significance (1 of 4 stars; one submission).

Conditions:
Cayman type cerebellar ataxia. Also called: Cayman ataxia. Identifiers: Orphanet 94122, MedGen C1832585, MONDO:0011025, OMIM 601238.

Submission:

Broad Center for Mendelian Genomics, Broad Institute of MIT and Harvard
Classification: Uncertain significance for Cayman type cerebellar ataxia. Last evaluated: 2023-01-25. Review status: criteria provided, single submitter. Criteria: ACMG Guidelines, 2015. Collection method: curation. Allele origin: germline. Inheritance: Autosomal recessive inheritance.
Comment: The p.Tyr184Ter variant in ATCAY has not been previously reported in individuals with Cayman cerebellar ataxia. This variant was absent from large population studies. This nonsense variant leads to a premature termination codon at position 184, which is predicted to lead to a truncated or absent protein. While there is some evidence to suggest that loss of function of the ATCAY gene is a disease mechanism in autosomal recessive Cayman cerebellar ataxia, this association is not yet strongly established based on the criteria laid out in Tayoun, 2018 (PMID: 30192042). In summary, while there is some suspicion for a pathogenic role, the clinical significance of this variant is uncertain. ACMG/AMP Criteria applied: PVS1_Moderate, PM2_Supporting, PM3_Supporting (Richards 2015).

NM_033064.5(ATCAY):c.552C>G (p.Tyr184Ter)

Gene: ATCAY (ATCAY kinesin light chain interacting caytaxin; plus strand). Cytogenetic location: 19p13.3.
Variant type: single nucleotide variant.
Coding change: c.552C>G on transcript NM_033064.5 (MANE Select); coding-DNA position 552, C replaced by G.
Protein change: p.Tyr184Ter; replaces tyrosine 184 with a stop codon.
Molecular consequence: nonsense.
Genome position (GRCh38, 1-based): chr19:3,908,275, C>G. VCF-style: chr19-3908275-C-G. GRCh37 (hg19) VCF-style: chr19-3908273-C-G.
Other names: NM_033064.5:c.552C>G; short protein forms Y184*.
Identifiers: ClinVar variation 2412765 (VCV002412765.1), dbSNP rs929406456, ClinGen allele CA403371063.